The following is an entry in ClinVar:

ClinVar aggregate classification (germline): Uncertain significance (1 of 4 stars; one submission).

Conditions:
Muscular dystrophy-dystroglycanopathy (congenital with brain and eye anomalies), type A9. Also called: WALKER-WARBURG SYNDROME OR MUSCLE-EYE BRAIN DISEASE, DAG1-RELATED; Muscular dystrophy-dystroglycanopathy (congenital with brain and eye anomalies), type a, 9. Identifiers: Orphanet 370997, Orphanet 899, MedGen C4225291, MONDO:0014683, OMIM 616538.
Autosomal recessive limb-girdle muscular dystrophy type 2P. Also called: Limb-Girdle Muscular Dystrophy Type 9C; MUSCULAR DYSTROPHY, LIMB-GIRDLE, TYPE 2P; MUSCULAR DYSTROPHY-DYSTROGLYCANOPATHY, LIMB-GIRDLE, DAG1-RELATED. Identifiers: Orphanet 280333, MedGen C4511963, MONDO:0013440, OMIM 613818.

Allele frequency attached by ClinVar (database versions not stated): gnomAD exomes below 0.00001; gnomAD 0.00001; TOPMed 0.00001.
gnomAD v4.1: 2 of 1,614,046 alleles (0.00012%); highest among the groups gnomAD compares: Non-Finnish European, 0.00017%; no homozygotes.

Submission:

Labcorp Genetics (formerly Invitae), Labcorp
Classification: Uncertain significance for Autosomal recessive limb-girdle muscular dystrophy type 2P; Muscular dystrophy-dystroglycanopathy (congenital with brain and eye anomalies), type A9. Last evaluated: 2019-07-30. Review status: criteria provided, single submitter. Criteria: Invitae Variant Classification Sherloc (09022015). Collection method: clinical testing. Allele origin: germline.
Comment: This sequence change replaces serine with alanine at codon 166 of the DAG1 protein (p.Ser166Ala). The serine residue is moderately conserved and there is a moderate physicochemical difference between serine and alanine. This variant is not present in population databases (ExAC no frequency). This variant has not been reported in the literature in individuals with DAG1-related disease. Algorithms developed to predict the effect of missense changes on protein structure and function output the following: SIFT: "Tolerated"; PolyPhen-2: "Benign"; Align-GVGD: "Class C0". The alanine amino acid residue is found in multiple mammalian species, suggesting that this missense change does not adversely affect protein function. These predictions have not been confirmed by published functional studies and their clinical significance is uncertain. In summary, the available evidence is currently insufficient to determine the role of this variant in disease. Therefore, it has been classified as a Variant of Uncertain Significance.

NM_004393.6(DAG1):c.496T>G (p.Ser166Ala)

Gene: DAG1 (dystroglycan 1; plus strand). Cytogenetic location: 3p21.31.
Variant type: single nucleotide variant.
Coding change: c.496T>G on transcript NM_004393.6 (MANE Select); coding-DNA position 496, T replaced by G.
Protein change: p.Ser166Ala; replaces serine 166 with alanine.
Molecular consequence: missense variant.
Genome position (GRCh38, 1-based): chr3:49,531,007, T>G. VCF-style: chr3-49531007-T-G. GRCh37 (hg19) VCF-style: chr3-49568440-T-G.
Other names: c.496T>G, p.Ser166Ala (NM_001165928.4, NM_001177634.3, NM_001177635.3 and 9 more transcripts); short protein forms S166A.
Identifiers: ClinVar variation 583165 (VCV000583165.7), dbSNP rs1421891404, ClinGen allele CA352793449.